The following is an entry in ClinVar:

ClinVar aggregate classification (germline): Conflicting classifications of pathogenicity. Review status: criteria provided, conflicting classifications (1 of 4 stars). 4 submissions from 4 submitters: Uncertain significance (3); Likely benign (1). Last evaluated 2026-01-27.

Conditions:
Familial cancer of breast. Also called: Hereditary breast cancer; BREAST CANCER, FAMILIAL; hereditary breast carcinoma. Identifiers: Orphanet 227535, MedGen C0346153, MONDO:0016419, OMIM 114480. Disease mechanism: loss of function.
Hereditary cancer-predisposing syndrome. Also called: Hereditary Cancer Syndrome; Neoplastic Syndromes, Hereditary; Tumor predisposition; Hereditary neoplastic syndrome. Identifiers: Orphanet 140162, MedGen C0027672, MeSH D009386, MONDO:0015356.

Allele frequency attached by ClinVar (database versions not stated): gnomAD exomes below 0.00001.
gnomAD v4.1: 1 of 1,614,138 alleles (0.000062%); highest among the groups gnomAD compares: Non-Finnish European, 0.000085%; no homozygotes.

Submissions (4):

Labcorp Genetics (formerly Invitae), Labcorp
Classification: Uncertain significance for Familial cancer of breast. Last evaluated: 2026-01-27. Review status: criteria provided, single submitter. Criteria: Invitae Variant Classification Sherloc (09022015). Collection method: clinical testing. Allele origin: germline.
Comment: This sequence change replaces proline, which is neutral and non-polar, with leucine, which is neutral and non-polar, at codon 532 of the PALB2 protein (p.Pro532Leu). This variant is not present in population databases (gnomAD no frequency). This missense change has been observed in individual(s) with breast cancer (PMID: 30303537). ClinVar contains an entry for this variant (Variation ID: 490069). Invitae Evidence Modeling of protein sequence and biophysical properties (such as structural, functional, and spatial information, amino acid conservation, physicochemical variation, residue mobility, and thermodynamic stability) indicates that this missense variant is expected to disrupt PALB2 protein function with a positive predictive value of 80%. Algorithms developed to predict the effect of sequence changes on RNA splicing suggest that this variant may create or strengthen a splice site. In summary, the available evidence is currently insufficient to determine the role of this variant in disease. Therefore, it has been classified as a Variant of Uncertain Significance.

Ambry Genetics
Classification: Likely benign for Hereditary cancer-predisposing syndrome. Last evaluated: 2025-06-23. Review status: criteria provided, single submitter. Criteria: Ambry Variant Classification Scheme 2023. Collection method: clinical testing. Allele origin: germline.

GeneDx
Classification: Uncertain significance. Last evaluated: 2019-07-01. Review status: criteria provided, single submitter. Criteria: GeneDx Variant Classification Process June 2021. Collection method: clinical testing. Allele origin: germline. Affected: yes.
Comment: Not observed in large population cohorts (Lek et al., 2016); Has not been previously published as pathogenic or benign to our knowledge; This variant is associated with the following publications: (PMID: 30303537)

Color Diagnostics, LLC DBA Color Health
Classification: Uncertain significance for Hereditary cancer-predisposing syndrome. Last evaluated: 2018-08-28. Review status: criteria provided, single submitter. Criteria: ACMG Guidelines, 2015. Collection method: clinical testing. Allele origin: germline.

Literature cited by the submitters: PubMed 30303537 (cited by Labcorp Genetics (formerly Invitae), Labcorp and Ambry Genetics).

NM_024675.4(PALB2):c.1595C>T (p.Pro532Leu)

Gene: PALB2 (partner and localizer of BRCA2; minus strand). Cytogenetic location: 16p12.2.
Variant type: single nucleotide variant.
Coding change: c.1595C>T on transcript NM_024675.4 (MANE Select); coding-DNA position 1595, C replaced by T.
Protein change: p.Pro532Leu; replaces proline 532 with leucine.
Molecular consequence: missense variant.
Genome position (GRCh38, 1-based): chr16:23,634,951, G>A on the plus strand (C>T on the coding strand, the complement: PALB2 is on the minus strand). VCF-style: chr16-23634951-G-A. GRCh37 (hg19) VCF-style: chr16-23646272-G-A.
Other names: short protein forms P532L.
Identifiers: ClinVar variation 490069 (VCV000490069.17), dbSNP rs1555461202, ClinGen allele CA395130543.
Genomic context (GRCh38, chr16:23,634,951, plus strand): 5'-TGATATTTGTGTGAGGTGACTTCTTCCTTGGACCTGTTAACAATCGACAGGCTAGAAGTT[G>A]GCAAAAGTGGTTCACAATGATCTGATGCTGGGGTGCAGGCTGATTTTCTTTTTCCTGTGT-3'
Protein context (NP_078951.2, residues 522-542): PASDHCEPLL[Pro532Leu]TSSLSIVNRS